The following is an entry in ClinVar:

NM_001018005.1(TPM1):c.-186G>A

Gene: TPM1 (tropomyosin 1; plus strand). Cytogenetic location: 15q22.2.
Variant type: single nucleotide variant.
Coding change: c.-186G>A on transcript NM_001018005.1; 186 bases upstream of the start codon, G replaced by A.
Genome position (GRCh38, 1-based): chr15:63,042,644, G>A. VCF-style: chr15-63042644-G-A. GRCh37 (hg19) VCF-style: chr15-63334843-G-A.
Identifiers: ClinVar variation 316682 (VCV000316682.38), dbSNP rs541046450, ClinGen allele CA10636319.

ClinVar aggregate classification (germline): Conflicting classifications of pathogenicity. Review status: criteria provided, conflicting classifications (1 of 4 stars). 4 submissions from 3 submitters: Uncertain significance (2); Benign (1); Likely benign (1). Last evaluated 2024-02-01.

Conditions:
Hypertrophic cardiomyopathy 3. Also called: TPM1-Related Familial Hypertrophic Cardiomyopathy. Identifiers: MedGen C1861863, MONDO:0007267, OMIM 115196.
Dilated cardiomyopathy 1Y (CMD1Y). Identifiers: Orphanet 154, Orphanet 54260, MedGen C2678476, MONDO:0012744, OMIM 611878.

Allele frequency attached by ClinVar (database versions not stated): TOPMed 0.00084; 1000 Genomes Project 30x 0.00172; 1000 Genomes Project 0.00180.

Submissions (4):

CeGaT Center for Human Genetics Tuebingen
Classification: Likely benign. Last evaluated: 2024-02-01. Review status: criteria provided, single submitter. Criteria: CeGaT Center For Human Genetics Tuebingen Variant Classification Criteria Version 2. Collection method: clinical testing. Allele origin: germline. Affected: yes. Observed: 7 variant alleles.
Comment: TPM1: BS1

Illumina Laboratory Services, Illumina
Classification: Uncertain significance for Hypertrophic cardiomyopathy 3. Last evaluated: 2018-01-13. Review status: criteria provided, single submitter. Criteria: ICSL Variant Classification Criteria 13 December 2019. Collection method: clinical testing. Allele origin: germline.

Illumina Laboratory Services, Illumina
Classification: Uncertain significance for Dilated cardiomyopathy 1Y. Last evaluated: 2018-01-13. Review status: criteria provided, single submitter. Criteria: ICSL Variant Classification Criteria 13 December 2019. Collection method: clinical testing. Allele origin: germline.

GeneDx
Classification: Benign. Last evaluated: 2015-03-03. Review status: criteria provided, single submitter. Criteria: GeneDx Variant Classification Process June 2021. Collection method: clinical testing. Allele origin: germline. Affected: yes.